The following is an entry in ClinVar:

NM_173354.5(SIK1):c.2173G>A (p.Ala725Thr)

Gene: SIK1 (salt inducible kinase 1; minus strand). Cytogenetic location: 21q22.3.
Variant type: single nucleotide variant.
Coding change: c.2173G>A on transcript NM_173354.5 (MANE Select); coding-DNA position 2173, G replaced by A.
Protein change: p.Ala725Thr; replaces alanine 725 with threonine.
Molecular consequence: missense variant.
Genome position (GRCh38, 1-based): chr21:43,416,921, C>T on the plus strand (G>A on the coding strand, the complement: SIK1 is on the minus strand). VCF-style: chr21-43416921-C-T. GRCh37 (hg19) VCF-style: chr21-44836801-C-T.
Other names: short protein forms A725T.
Identifiers: ClinVar variation 2824472 (VCV002824472.3), dbSNP rs2516963763, ClinGen allele CA410606520.

ClinVar aggregate classification (germline): Uncertain significance (1 of 4 stars; one submission).

Conditions:
Developmental and epileptic encephalopathy, 30 (DEE30). Also called: Epileptic encephalopathy, early infantile, 30. Identifiers: MedGen C4225360, MONDO:0014595, OMIM 616341.

Submission:

Labcorp Genetics (formerly Invitae), Labcorp
Classification: Uncertain significance for Developmental and epileptic encephalopathy, 30. Last evaluated: 2022-12-27. Review status: criteria provided, single submitter. Criteria: Invitae Variant Classification Sherloc (09022015). Collection method: clinical testing. Allele origin: germline.
Comment: In summary, the available evidence is currently insufficient to determine the role of this variant in disease. Therefore, it has been classified as a Variant of Uncertain Significance. Advanced modeling of protein sequence and biophysical properties (such as structural, functional, and spatial information, amino acid conservation, physicochemical variation, residue mobility, and thermodynamic stability) performed at Invitae indicates that this missense variant is not expected to disrupt SIK1 protein function. This variant has not been reported in the literature in individuals affected with SIK1-related conditions. This variant is not present in population databases (gnomAD no frequency). This sequence change replaces alanine, which is neutral and non-polar, with threonine, which is neutral and polar, at codon 725 of the SIK1 protein (p.Ala725Thr).